The following is an entry in ClinVar:

ClinVar aggregate classification (germline): Uncertain significance (1 of 4 stars; one submission).

Conditions:
Cholestanol storage disease (CTX). Also called: CTX: Cerebrotendinous xanthomatosis; Cerebrotendinous Xanthomatosis; CEREBRAL CHOLESTERINOSIS. Identifiers: Orphanet 909, MedGen C0238052, MONDO:0008948, OMIM 213700.

Submission:

Labcorp Genetics (formerly Invitae), Labcorp
Classification: Uncertain significance for Cholestanol storage disease. Last evaluated: 2022-06-15. Review status: criteria provided, single submitter. Criteria: Invitae Variant Classification Sherloc (09022015). Collection method: clinical testing. Allele origin: germline.
Comment: In summary, the available evidence is currently insufficient to determine the role of this variant in disease. Therefore, it has been classified as a Variant of Uncertain Significance. Advanced modeling of protein sequence and biophysical properties (such as structural, functional, and spatial information, amino acid conservation, physicochemical variation, residue mobility, and thermodynamic stability) performed at Invitae indicates that this missense variant is not expected to disrupt CYP27A1 protein function. This variant has not been reported in the literature in individuals affected with CYP27A1-related conditions. This variant is not present in population databases (gnomAD no frequency). This sequence change replaces alanine, which is neutral and non-polar, with proline, which is neutral and non-polar, at codon 78 of the CYP27A1 protein (p.Ala78Pro).

NM_000784.4(CYP27A1):c.232G>C (p.Ala78Pro)

Gene: CYP27A1 (cytochrome P450 family 27 subfamily A member 1; plus strand). Cytogenetic location: 2q35.
Variant type: single nucleotide variant.
Coding change: c.232G>C on transcript NM_000784.4 (MANE Select); coding-DNA position 232, G replaced by C.
Protein change: p.Ala78Pro; replaces alanine 78 with proline.
Molecular consequence: missense variant.
Genome position (GRCh38, 1-based): chr2:218,782,414, G>C. VCF-style: chr2-218782414-G-C. GRCh37 (hg19) VCF-style: chr2-219647137-G-C.
Other names: short protein forms A78P.
Identifiers: ClinVar variation 2006864 (VCV002006864.4), dbSNP rs2470202142, ClinGen allele CA350576929.